The following is an entry in ClinVar:

ClinVar aggregate classification (germline): Pathogenic. Review status: criteria provided, multiple submitters, no conflicts (2 of 4 stars). 4 submissions from 4 submitters: Pathogenic (3). 1 of the submissions does not count toward it. Last evaluated 2025-04-22.

Conditions:
DNAJC19-related disorder. Also called: DNAJC19-related condition.
3-methylglutaconic aciduria type 5. Also called: MGA, TYPE V; CARDIOMYOPATHY, DILATED, WITH ATAXIA; 3 alpha methylglutaconic aciduria type V; MGA 5. Identifiers: Orphanet 66634, MedGen C1857776, MONDO:0012435, OMIM 610198.

Allele frequency attached by ClinVar (database versions not stated): gnomAD exomes below 0.00001; gnomAD 0.00001.
gnomAD v4.1: 1 of 1,613,338 alleles (0.000062%); highest among the groups gnomAD compares: Non-Finnish European, 0.000085%; no homozygotes.

Submissions (4):

Labcorp Genetics (formerly Invitae), Labcorp
Classification: Pathogenic for 3-methylglutaconic aciduria type 5. Last evaluated: 2025-04-22. Review status: criteria provided, single submitter. Criteria: Invitae Variant Classification Sherloc (09022015). Collection method: clinical testing. Allele origin: germline.
Comment: This sequence change affects an acceptor splice site in intron 3 of the DNAJC19 gene. It is expected to disrupt RNA splicing. Variants that disrupt the donor or acceptor splice site typically lead to a loss of protein function (PMID: 16199547), and loss-of-function variants in DNAJC19 are known to be pathogenic (PMID: 16055927, 27928778). This variant is present in population databases (rs137854888, gnomAD 0.0009%). Disruption of this splice site has been observed in individual(s) with dilated cardiomyopathy with ataxia syndrome in many families (PMID: 16055927). It has also been observed to segregate with disease in related individuals. ClinVar contains an entry for this variant (Variation ID: 1951). Algorithms developed to predict the effect of sequence changes on RNA splicing suggest that this variant may disrupt the consensus splice site. For these reasons, this variant has been classified as Pathogenic.

Blueprint Genetics
Classification: Pathogenic for DNAJC19-related disorders. Last evaluated: 2024-04-19. Review status: criteria provided, single submitter. Criteria: ACMG Guidelines, 2015. Collection method: clinical testing. Allele origin: germline. Affected: yes. Observed: 2 variant alleles.

PreventionGenetics, part of Exact Sciences
Classification: Pathogenic for DNAJC19-related condition. Last evaluated: 2023-06-15. Review status: criteria provided, single submitter. Criteria: ACMG Guidelines, 2015. Collection method: clinical testing. Allele origin: germline.
Comment: The DNAJC19 c.130-1G>C variant is predicted to disrupt the AG splice acceptor site and interfere with normal splicing. This variant has been reported in the homozygous state in individuals of Hutterite ancestry with autosomal recessive dilated cardiomyopathy with ataxia (Davey et al. 2006. PubMed ID: 16055927). This variant is reported in 0.00088% of alleles in individuals of European (Non-Finnish) descent in gnomAD. Variants that disrupt the consensus splice acceptor site in DNAJC19 are expected to be pathogenic. This variant is interpreted as pathogenic.

OMIM
Classification: Pathogenic for 3-METHYLGLUTACONIC ACIDURIA, TYPE V. Last evaluated: 2012-10-05. Review status: no assertion criteria provided. Collection method: literature only. Allele origin: germline. Not counted in ClinVar's aggregate classification.

Literature cited by the submitters: PubMed 16199547 (cited by Labcorp Genetics (formerly Invitae), Labcorp); PubMed 16055927 (cited by Labcorp Genetics (formerly Invitae), Labcorp and OMIM); PubMed 27928778 (cited by Labcorp Genetics (formerly Invitae), Labcorp); PubMed 22981120 (cited by OMIM).

NM_145261.4(DNAJC19):c.130-1G>C

Gene: DNAJC19 (DnaJ heat shock protein family (Hsp40) member C19; minus strand). Cytogenetic location: 3q26.33.
Variant type: single nucleotide variant.
Coding change: c.130-1G>C on transcript NM_145261.4 (MANE Select); the canonical splice acceptor site of the intron before coding-DNA position 130, G replaced by C.
Molecular consequence: splice acceptor variant.
Genome position (GRCh38, 1-based): chr3:180,987,023, C>G on the plus strand (G>C on the coding strand, the complement: DNAJC19 is on the minus strand). VCF-style: chr3-180987023-C-G. GRCh37 (hg19) VCF-style: chr3-180704811-C-G.
Other names: IVS3AS, G-C, -1 (rs137854888); c.55-1G>C (NM_001190233.2).
Identifiers: ClinVar variation 1951 (VCV000001951.13), dbSNP rs137854888, ClinGen allele CA024176.